The following is an entry in ClinVar:

NM_001903.5(CTNNA1):c.1872C>T (p.Asp624=)

Gene: CTNNA1 (catenin alpha 1; plus strand). Cytogenetic location: 5q31.2.
Variant type: single nucleotide variant.
Coding change: c.1872C>T on transcript NM_001903.5 (MANE Select); coding-DNA position 1872, C replaced by T.
Protein change: p.Asp624=; no amino-acid change (aspartic acid 624 retained).
Molecular consequence: synonymous variant.
Genome position (GRCh38, 1-based): chr5:138,925,380, C>T. VCF-style: chr5-138925380-C-T. GRCh37 (hg19) VCF-style: chr5-138261069-C-T.
Other names: c.1872C>T, p.Asp624= (NM_001290307.3, NM_001323982.2, NM_001323983.1 and 2 more transcripts); c.1563C>T, p.Asp521= (NM_001290309.3); c.1503C>T, p.Asp501= (NM_001290310.3); c.762C>T, p.Asp254= (NM_001290312.1, NM_001323987.1, NM_001323988.1 and 17 more transcripts); c.1779C>T, p.Asp593= (NM_001323986.2); c.423C>T, p.Asp141= (NM_001324006.1, NM_001324007.1, NM_001324008.1 and 2 more transcripts); c.669C>T, p.Asp223= (NM_001324011.1); c.519C>T, p.Asp173= (NM_001324012.1, NM_001324013.1); and 1 more.
Identifiers: ClinVar variation 2900009 (VCV002900009.5), dbSNP rs1763797071, ClinGen allele CA446597450.

ClinVar aggregate classification (germline): Benign/Likely benign. Review status: criteria provided, multiple submitters, no conflicts (2 of 4 stars). 3 submissions from 3 submitters: Benign (1); Likely benign (2). Last evaluated 2025-10-02.

Conditions:
Hereditary diffuse gastric adenocarcinoma (HDGC). Also called: DIFFUSE GASTRIC AND LOBULAR BREAST CANCER SYNDROME. Identifiers: Orphanet 26106, MedGen C1708349, MONDO:0007648, OMIM 137215.
Hereditary cancer-predisposing syndrome. Also called: Hereditary Cancer Syndrome; Tumor predisposition; Neoplastic Syndromes, Hereditary; Hereditary neoplastic syndrome. Identifiers: Orphanet 140162, MedGen C0027672, MeSH D009386, MONDO:0015356.

Submissions (3):

Ambry Genetics
Classification: Likely benign for Hereditary cancer-predisposing syndrome. Last evaluated: 2025-10-02. Review status: criteria provided, single submitter. Criteria: Ambry Variant Classification Scheme 2023. Collection method: clinical testing. Allele origin: germline.

Myriad Genetics, Inc.
Classification: Benign for Hereditary diffuse gastric adenocarcinoma. Last evaluated: 2024-10-14. Review status: criteria provided, single submitter. Criteria: Myriad Autosomal Dominant, Autosomal Recessive and X-Linked Classification Criteria (2023). Collection method: clinical testing. Allele origin: unknown.
Comment: This variant is considered benign. This variant is a silent/synonymous amino acid change and it is not expected to impact splicing.

Labcorp Genetics (formerly Invitae), Labcorp
Classification: Likely benign. Last evaluated: 2023-01-10. Review status: criteria provided, single submitter. Criteria: Invitae Variant Classification Sherloc (09022015). Collection method: clinical testing. Allele origin: germline.